The following is an entry in ClinVar:

NM_000093.5(COL5A1):c.5265A>G (p.Ala1755=)

Genes: COL5A1 (collagen type V alpha 1 chain; plus strand), LOC101448202 (uncharacterized LOC101448202; minus strand). Cytogenetic location: 9q34.3.
Variant type: single nucleotide variant.
Coding change: c.5265A>G on transcript NM_000093.5 (MANE Select); coding-DNA position 5265, A replaced by G.
Protein change: p.Ala1755=; no amino-acid change (alanine 1755 retained).
Molecular consequence: synonymous variant.
Genome position (GRCh38, 1-based): chr9:134,835,099, A>G. VCF-style: chr9-134835099-A-G. GRCh37 (hg19) VCF-style: chr9-137726945-A-G.
Other names: p.Ala1755=; c.5265A>G, p.Ala1755= (NM_001278074.1).
Identifiers: ClinVar variation 4683463 (VCV004683463.1).
Genomic context (GRCh38, chr9:134,835,099, plus strand): 5'-CGCCTCTGCCCACCAGAACGTCACCTACCACTGCTACCAGTCAGTGGCCTGGCAGGACGC[A>G]GCCACGGGCAGCTACGACAAGGCCCTCCGCTTCCTGGGCTCCAACGACGAGGAGATGTCC-3'
Protein context (NP_000084.3, residues 1745-1765): HCYQSVAWQD[Ala1755=]ATGSYDKALR

ClinVar aggregate classification (germline): Likely benign (1 of 4 stars; one submission).

gnomAD v4.1: 6 of 1,613,728 alleles (0.00037%); highest among the groups gnomAD compares: Non-Finnish European, 0.00051%; no homozygotes.

Submission:

Mayo Clinic Laboratories, Mayo Clinic
Classification: Likely benign. Last evaluated: 2025-03-26. Review status: criteria provided, single submitter. Criteria: ACMG Guidelines, 2015. Collection method: clinical testing. Allele origin: germline. Observed: 1 variant allele.
Comment: BP4, BP7